The following is an entry in ClinVar:

ClinVar aggregate classification (germline): Uncertain significance. Review status: criteria provided, multiple submitters, no conflicts (2 of 4 stars). 2 submissions from 2 submitters: Uncertain significance (2). Last evaluated 2024-05-06.

Conditions:
Hereditary nonpolyposis colorectal neoplasms. Identifiers: MedGen C0009405, MeSH D003123.
Hereditary cancer-predisposing syndrome. Also called: Tumor predisposition; Hereditary neoplastic syndrome; Neoplastic Syndromes, Hereditary; Hereditary Cancer Syndrome. Identifiers: Orphanet 140162, MedGen C0027672, MeSH D009386, MONDO:0015356.

Allele frequency attached by ClinVar (database versions not stated): TOPMed 0.00001.

Submissions (2):

Ambry Genetics
Classification: Uncertain significance for Hereditary cancer-predisposing syndrome. Last evaluated: 2024-05-06. Review status: criteria provided, single submitter. Criteria: Ambry Variant Classification Scheme 2023. Collection method: clinical testing. Allele origin: germline.
Comment: The p.R419T variant (also known as c.1256G>C), located in coding exon 11 of the PMS2 gene, results from a G to C substitution at nucleotide position 1256. The arginine at codon 419 is replaced by threonine, an amino acid with similar properties. This amino acid position is well conserved in available vertebrate species. In addition, the in silico prediction for this alteration is inconclusive. Based on the available evidence, the clinical significance of this variant remains unclear.

Labcorp Genetics (formerly Invitae), Labcorp
Classification: Uncertain significance for Hereditary nonpolyposis colorectal neoplasms. Last evaluated: 2023-08-16. Review status: criteria provided, single submitter. Criteria: Invitae Variant Classification Sherloc (09022015). Collection method: clinical testing. Allele origin: germline.
Comment: In summary, the available evidence is currently insufficient to determine the role of this variant in disease. Therefore, it has been classified as a Variant of Uncertain Significance. Advanced modeling of protein sequence and biophysical properties (such as structural, functional, and spatial information, amino acid conservation, physicochemical variation, residue mobility, and thermodynamic stability) performed at Invitae indicates that this missense variant is expected to disrupt PMS2 protein function. ClinVar contains an entry for this variant (Variation ID: 1424585). This variant has not been reported in the literature in individuals affected with PMS2-related conditions. This variant is not present in population databases (gnomAD no frequency). This sequence change replaces arginine, which is basic and polar, with threonine, which is neutral and polar, at codon 419 of the PMS2 protein (p.Arg419Thr).

NM_000535.7(PMS2):c.1256G>C (p.Arg419Thr)

Gene: PMS2 (PMS1 homolog 2, mismatch repair system component; minus strand). Cytogenetic location: 7p22.1.
Variant type: single nucleotide variant.
Coding change: c.1256G>C on transcript NM_000535.7 (MANE Select); coding-DNA position 1256, G replaced by C.
Protein change: p.Arg419Thr; replaces arginine 419 with threonine.
Molecular consequence: missense variant. On other transcripts: non-coding transcript variant (1).
Genome position (GRCh38, 1-based): chr7:5,987,509, C>G on the plus strand (G>C on the coding strand, the complement: PMS2 is on the minus strand). VCF-style: chr7-5987509-C-G. GRCh37 (hg19) VCF-style: chr7-6027140-C-G.
Other names: c.851G>C, p.Arg284Thr (NM_001322003.2, NM_001322004.2, NM_001322005.2 and 1 more transcripts); c.1100G>C, p.Arg367Thr (NM_001322006.2); c.938G>C, p.Arg313Thr (NM_001322007.2, NM_001322008.2); c.695G>C, p.Arg232Thr (NM_001322010.2); c.323G>C, p.Arg108Thr (NM_001322011.2, NM_001322012.2); c.683G>C, p.Arg228Thr (NM_001322013.2); c.1256G>C, p.Arg419Thr (NM_001322014.2); c.947G>C, p.Arg316Thr (NM_001322015.2); short protein forms R108T, R313T, R367T, R284T, R316T, R228T, R232T, R419T.
Identifiers: ClinVar variation 1424585 (VCV001424585.9), dbSNP rs1783156550, ClinGen allele CA366742468.